The following is an entry in ClinVar:

NM_004260.4(RECQL4):c.1826G>A (p.Cys609Tyr)

Gene: RECQL4 (RecQ like helicase 4; minus strand). Cytogenetic location: 8q24.3.
Variant type: single nucleotide variant.
Coding change: c.1826G>A on transcript NM_004260.4 (MANE Select); coding-DNA position 1826, G replaced by A.
Protein change: p.Cys609Tyr; replaces cysteine 609 with tyrosine.
Molecular consequence: missense variant.
Genome position (GRCh38, 1-based): chr8:144,514,241, C>T on the plus strand (G>A on the coding strand, the complement: RECQL4 is on the minus strand). VCF-style: chr8-144514241-C-T. GRCh37 (hg19) VCF-style: chr8-145739625-C-T.
Other names: short protein forms C609Y.
Identifiers: ClinVar variation 844408 (VCV000844408.8), dbSNP rs939040910, ClinGen allele CA187684947.

ClinVar aggregate classification (germline): Uncertain significance. Review status: criteria provided, multiple submitters, no conflicts (2 of 4 stars). 2 submissions from 2 submitters: Uncertain significance (2). Last evaluated 2025-12-17.

Conditions:
Baller-Gerold syndrome (BGS). Also called: CRANIOSYNOSTOSIS WITH RADIAL DEFECTS. Identifiers: Orphanet 1225, MedGen C0265308, MONDO:0009039, OMIM 218600.
Inborn genetic diseases. Identifiers: MedGen C0950123, MeSH D030342.

Allele frequency attached by ClinVar (database versions not stated): gnomAD exomes below 0.00001; TOPMed 0.00003; gnomAD 0.00004 and 0.00005.
gnomAD v4.1: 9 of 1,612,206 alleles (0.00056%); highest among the groups gnomAD compares: African/African-American, 0.012%; no homozygotes.

Submissions (2):

Labcorp Genetics (formerly Invitae), Labcorp
Classification: Uncertain significance for Baller-Gerold syndrome. Last evaluated: 2025-12-17. Review status: criteria provided, single submitter. Criteria: Invitae Variant Classification Sherloc (09022015). Collection method: clinical testing. Allele origin: germline.
Comment: This sequence change replaces cysteine, which is neutral and slightly polar, with tyrosine, which is neutral and polar, at codon 609 of the RECQL4 protein (p.Cys609Tyr). This variant is present in population databases (no rsID available, gnomAD 0.01%). This variant has not been reported in the literature in individuals affected with RECQL4-related conditions. ClinVar contains an entry for this variant (Variation ID: 844408). Invitae Evidence Modeling of protein sequence and biophysical properties (such as structural, functional, and spatial information, amino acid conservation, physicochemical variation, residue mobility, and thermodynamic stability) indicates that this missense variant is expected to disrupt RECQL4 protein function with a positive predictive value of 80%. In summary, the available evidence is currently insufficient to determine the role of this variant in disease. Therefore, it has been classified as a Variant of Uncertain Significance.

Ambry Genetics
Classification: Uncertain significance for Inborn genetic diseases. Last evaluated: 2024-12-06. Review status: criteria provided, single submitter. Criteria: Ambry Variant Classification Scheme 2023. Collection method: clinical testing. Allele origin: germline.
Comment: The p.C609Y variant (also known as c.1826G>A), located in coding exon 11 of the RECQL4 gene, results from a G to A substitution at nucleotide position 1826. The cysteine at codon 609 is replaced by tyrosine, an amino acid with highly dissimilar properties. This amino acid position is conserved. In addition, this alteration is predicted to be deleterious by in silico analysis. Based on the available evidence, the clinical significance of this variant remains unclear.